The following is an entry in ClinVar:

ClinVar aggregate classification (germline): Uncertain significance. Review status: criteria provided, multiple submitters, no conflicts (2 of 4 stars). 2 submissions from 2 submitters: Uncertain significance (2). Last evaluated 2022-02-11.

Conditions:
Hermansky-Pudlak syndrome 1 (HPS1). Also called: DELTA STORAGE POOL DISEASE. Identifiers: Orphanet 231500, Orphanet 79430, MedGen C2931875, MONDO:0008748, OMIM 203300.

Allele frequency attached by ClinVar (database versions not stated): TOPMed 0.00001; gnomAD 0.00002; gnomAD exomes 0.00002.
gnomAD v4.1: 37 of 1,613,996 alleles (0.0023%); highest among the groups gnomAD compares: Non-Finnish European, 0.003%; no homozygotes.

Submissions (2):

Fulgent Genetics
Classification: Uncertain significance for Hermansky-Pudlak syndrome 1. Last evaluated: 2022-02-11. Review status: criteria provided, single submitter. Criteria: ACMG Guidelines, 2015. Collection method: clinical testing. Allele origin: unknown.

Labcorp Genetics (formerly Invitae), Labcorp
Classification: Uncertain significance. Last evaluated: 2022-02-04. Review status: criteria provided, single submitter. Criteria: Invitae Variant Classification Sherloc (09022015). Collection method: clinical testing. Allele origin: germline.
Comment: This sequence change replaces arginine, which is basic and polar, with serine, which is neutral and polar, at codon 350 of the HPS1 protein (p.Arg350Ser). This variant is present in population databases (rs748998125, gnomAD 0.01%). This variant has not been reported in the literature in individuals affected with HPS1-related conditions. Algorithms developed to predict the effect of missense changes on protein structure and function are either unavailable or do not agree on the potential impact of this missense change (SIFT: "Tolerated"; PolyPhen-2: "Probably Damaging"; Align-GVGD: "Class C0"). Algorithms developed to predict the effect of sequence changes on RNA splicing suggest that this variant may create or strengthen a splice site. In summary, the available evidence is currently insufficient to determine the role of this variant in disease. Therefore, it has been classified as a Variant of Uncertain Significance.

NM_000195.5(HPS1):c.1050G>T (p.Arg350Ser)

Gene: HPS1 (HPS1 biogenesis of lysosomal organelles complex 3 subunit 1; minus strand). Cytogenetic location: 10q24.2.
Variant type: single nucleotide variant.
Coding change: c.1050G>T on transcript NM_000195.5 (MANE Select); coding-DNA position 1050, G replaced by T.
Protein change: p.Arg350Ser; replaces arginine 350 with serine.
Molecular consequence: missense variant.
Genome position (GRCh38, 1-based): chr10:98,425,923, C>A on the plus strand (G>T on the coding strand, the complement: HPS1 is on the minus strand). VCF-style: chr10-98425923-C-A. GRCh37 (hg19) VCF-style: chr10-100185680-C-A.
Other names: c.78G>T, p.Arg26Ser (NM_001311345.2, NM_001322487.2, NM_001322489.2); c.1050G>T, p.Arg350Ser (NM_001322476.2, NM_001322477.2); c.951G>T, p.Arg317Ser (NM_001322478.2, NM_001322479.2); c.789G>T, p.Arg263Ser (NM_001322480.2, NM_001322481.2); c.690G>T, p.Arg230Ser (NM_001322482.2); c.681G>T, p.Arg227Ser (NM_001322483.2, NM_001322484.2); c.582G>T, p.Arg194Ser (NM_001322485.2); short protein forms R194S, R26S, R350S, R230S, R263S, R317S, R227S.
Identifiers: ClinVar variation 1358736 (VCV001358736.6), dbSNP rs748998125, ClinGen allele CA212764134.